The following is an entry in ClinVar:

ClinVar aggregate classification (germline): Uncertain significance. Review status: criteria provided, single submitter (1 of 4 stars). 2 submissions from 2 submitters: Uncertain significance (1). 1 of the submissions does not count toward it. Last evaluated 2024-01-07.

Conditions:
FASN-related disorder. Also called: FASN-related condition.
Epileptic encephalopathy. Identifiers: MedGen C0543888, HP:0200134.

Submissions (2):

Labcorp Genetics (formerly Invitae), Labcorp
Classification: Uncertain significance for Epileptic encephalopathy. Last evaluated: 2024-01-07. Review status: criteria provided, single submitter. Criteria: Invitae Variant Classification Sherloc (09022015). Collection method: clinical testing. Allele origin: germline.
Comment: This sequence change replaces proline, which is neutral and non-polar, with glutamine, which is neutral and polar, at codon 1527 of the FASN protein (p.Pro1527Gln). This variant is present in population databases (no rsID available, gnomAD 0.007%). This variant has not been reported in the literature in individuals affected with FASN-related conditions. Algorithms developed to predict the effect of missense changes on protein structure and function output the following: SIFT: "Not Available"; PolyPhen-2: "Benign"; Align-GVGD: "Not Available". The glutamine amino acid residue is found in multiple mammalian species, which suggests that this missense change does not adversely affect protein function. In summary, the available evidence is currently insufficient to determine the role of this variant in disease. Therefore, it has been classified as a Variant of Uncertain Significance.

PreventionGenetics, part of Exact Sciences
Classification: Uncertain significance for FASN-related condition. Last evaluated: 2024-08-21. Review status: no assertion criteria provided. Collection method: clinical testing. Allele origin: germline. Not counted in ClinVar's aggregate classification.
Comment: The FASN c.4580C>A variant is predicted to result in the amino acid substitution p.Pro1527Gln. To our knowledge, this variant has not been reported in the literature. This variant is reported in 0.0065% of alleles in individuals of European (Non-Finnish) descent in gnomAD. At this time, the clinical significance of this variant is uncertain due to the absence of conclusive functional and genetic evidence.

NM_004104.5(FASN):c.4580C>A (p.Pro1527Gln)

Gene: FASN (fatty acid synthase; minus strand). Cytogenetic location: 17q25.3.
Variant type: single nucleotide variant.
Coding change: c.4580C>A on transcript NM_004104.5 (MANE Select); coding-DNA position 4580, C replaced by A.
Protein change: p.Pro1527Gln; replaces proline 1527 with glutamine.
Molecular consequence: missense variant.
Genome position (GRCh38, 1-based): chr17:82,084,701, G>T on the plus strand (C>A on the coding strand, the complement: FASN is on the minus strand). VCF-style: chr17-82084701-G-T. GRCh37 (hg19) VCF-style: chr17-80042577-G-T.
Other names: c.4580C>A (NM_004104.4); short protein forms P1527Q.
Identifiers: ClinVar variation 2911887 (VCV002911887.4), dbSNP rs146717183, ClinGen allele CA401546011.
Genomic context (GRCh38, chr17:82,084,701, plus strand): 5'-ACCCAGCGGATGGAGGACAGGTCCCCCCGGGTGAGGGTGCTCACAAAGGCATGTGCCGTC[G>T]GCTCCTCAGGCTTGTCTAGGGAAACAGGGAGGTGGGGCTGCTGCGGGGCCTTCGGGTGCA-3'
Protein context (NP_004095.4, residues 1517-1537): FLLEEDKPEE[Pro1527Gln]TAHAFVSTLT